The following is an entry in ClinVar:

NM_016239.4(MYO15A):c.8450G>C (p.Arg2817Pro)

Gene: MYO15A (myosin XVA; plus strand). Cytogenetic location: 17p11.2.
Variant type: single nucleotide variant.
Coding change: c.8450G>C on transcript NM_016239.4 (MANE Select); coding-DNA position 8450, G replaced by C.
Protein change: p.Arg2817Pro; replaces arginine 2817 with proline.
Molecular consequence: missense variant.
Genome position (GRCh38, 1-based): chr17:18,155,423, G>C. VCF-style: chr17-18155423-G-C. GRCh37 (hg19) VCF-style: chr17-18058737-G-C.
Other names: short protein forms R2817P.
Identifiers: ClinVar variation 2446239 (VCV002446239.1), dbSNP rs761861080, ClinGen allele CA8425166.

ClinVar aggregate classification (germline): Uncertain significance (1 of 4 stars; one submission).

gnomAD v4.1: 1 of 1,612,972 alleles (0.000062%); highest among the groups gnomAD compares: South Asian, 0.0011%; no homozygotes.

Submission:

GeneDx
Classification: Uncertain significance. Last evaluated: 2022-09-27. Review status: criteria provided, single submitter. Criteria: GeneDx Variant Classification Process June 2021. Collection method: clinical testing. Allele origin: germline. Affected: yes.
Comment: Not observed at significant frequency in large population cohorts (gnomAD); In silico analysis supports that this missense variant has a deleterious effect on protein structure/function; This variant is associated with the following publications: (PMID: 35248088)